The following is an entry in ClinVar:

ClinVar aggregate classification (germline): Uncertain significance. Review status: criteria provided, multiple submitters, no conflicts (2 of 4 stars). 2 submissions from 2 submitters: Uncertain significance (2). Last evaluated 2025-08-14.

Conditions:
Tatton-Brown-Rahman overgrowth syndrome. Also called: Tall stature-intellectual disability-facial dysmorphism syndrome; Tatton-Brown-Rahman syndrome. Identifiers: Orphanet 404443, MedGen C4014545, MONDO:0014382, OMIM 615879.

Allele frequency attached by ClinVar (database versions not stated): gnomAD exomes below 0.00001.
gnomAD v4.1: 1 of 1,587,868 alleles (0.000063%); highest among the groups gnomAD compares: East Asian, 0.0023%; no homozygotes.

Submissions (2):

Labcorp Genetics (formerly Invitae), Labcorp
Classification: Uncertain significance for Tatton-Brown-Rahman overgrowth syndrome. Last evaluated: 2025-08-14. Review status: criteria provided, single submitter. Criteria: Invitae Variant Classification Sherloc (09022015). Collection method: clinical testing. Allele origin: germline.
Comment: This sequence change replaces arginine, which is basic and polar, with tryptophan, which is neutral and slightly polar, at codon 169 of the DNMT3A protein (p.Arg169Trp). The frequency data for this variant in the population databases is considered unreliable, as metrics indicate poor data quality at this position in the gnomAD database. This variant has not been reported in the literature in individuals affected with DNMT3A-related conditions. ClinVar contains an entry for this variant (Variation ID: 1704689). Invitae Evidence Modeling of protein sequence and biophysical properties (such as structural, functional, and spatial information, amino acid conservation, physicochemical variation, residue mobility, and thermodynamic stability) indicates that this missense variant is not expected to disrupt DNMT3A protein function with a negative predictive value of 95%. In summary, the available evidence is currently insufficient to determine the role of this variant in disease. Therefore, it has been classified as a Variant of Uncertain Significance.

GeneDx
Classification: Uncertain significance. Last evaluated: 2022-03-11. Review status: criteria provided, single submitter. Criteria: GeneDx Variant Classification Process June 2021. Collection method: clinical testing. Allele origin: germline. Affected: yes.
Comment: Has not been previously published as pathogenic or benign to our knowledge; In silico analysis supports that this missense variant does not alter protein structure/function

NM_022552.5(DNMT3A):c.505C>T (p.Arg169Trp)

Gene: DNMT3A (DNA methyltransferase 3 alpha; minus strand). Cytogenetic location: 2p23.3.
Variant type: single nucleotide variant.
Coding change: c.505C>T on transcript NM_022552.5 (MANE Select); coding-DNA position 505, C replaced by T.
Protein change: p.Arg169Trp; replaces arginine 169 with tryptophan.
Molecular consequence: missense variant. On other transcripts: non-coding transcript variant (1).
Genome position (GRCh38, 1-based): chr2:25,275,075, G>A on the plus strand (C>T on the coding strand, the complement: DNMT3A is on the minus strand). VCF-style: chr2-25275075-G-A. GRCh37 (hg19) VCF-style: chr2-25497944-G-A.
Other names: c.505C>T, p.Arg169Trp (NM_175629.2); short protein forms R169W.
Identifiers: ClinVar variation 1704689 (VCV001704689.3), dbSNP rs1203651882, ClinGen allele CA346083153.